The following is an entry in ClinVar:

Conditions:
Long QT syndrome 5 (LQT5). Identifiers: Orphanet 101016, Orphanet 768, MedGen C1867904, MONDO:0013372, OMIM 613695.

Submission:

Roden Lab, Vanderbilt University Medical Center
No classification provided (evidence only). Condition: Long QT syndrome 5. Review status: no classification provided. Collection method: in vitro. Allele origin: not applicable. Functional consequence: Effect on ion channel function.
ClinVar note: "not provided" was previously submitted as the classification for the variant. However, the classification appeared to be based only on an observation of functional data so it was converted to no classification on 2025-07-30.

NM_000219.6(KCNE1):c.127G>T (p.Glu43Ter)

Gene: KCNE1 (potassium voltage-gated channel subfamily E regulatory subunit 1; minus strand). Cytogenetic location: 21q22.12.
Variant type: single nucleotide variant.
Coding change: c.127G>T on transcript NM_000219.6 (MANE Select); coding-DNA position 127, G replaced by T.
Protein change: p.Glu43Ter; replaces glutamic acid 43 with a stop codon.
Molecular consequence: nonsense.
Genome position (GRCh38, 1-based): chr21:34,449,508, C>A on the plus strand (G>T on the coding strand, the complement: KCNE1 is on the minus strand). VCF-style: chr21-34449508-C-A. GRCh37 (hg19) VCF-style: chr21-35821806-C-A.
Other names: c.127G>T, p.Glu43Ter (NM_001127668.4, NM_001127669.4, NM_001127670.4 and 4 more transcripts); short protein forms E43*.
Identifiers: ClinVar variation 3374117 (VCV003374117.2).
Genomic context (GRCh38, chr21:34,449,508, plus strand): 5'-GCATGATGCCCAGGGTGAAGAAGCCGAAGAATCCCAGTACCATGAGGACGTAGAGGGCCT[C>A]CAGCTTGCCGTCACTGCTGCGGGGGGACCTGCGGGCCAGGCCCGACATGTTGCCACCCTG-3'